The following is an entry in ClinVar:

NC_000008.10:g.(?_86376311)_(86393018_?)dup

Gene: CA2 (carbonic anhydrase 2; plus strand). Cytogenetic location: 8q21.2.
Variant type: Duplication.
Identifiers: ClinVar variation 1466194 (VCV001466194.5).

ClinVar aggregate classification (germline): Uncertain significance (1 of 4 stars; one submission).

Submission:

Labcorp Genetics (formerly Invitae), Labcorp
Classification: Uncertain significance. Last evaluated: 2022-03-20. Review status: criteria provided, single submitter. Criteria: Invitae Variant Classification Sherloc (09022015). Collection method: clinical testing. Allele origin: germline.
Comment: In summary, the available evidence is currently insufficient to determine the role of this variant in disease. Therefore, it has been classified as a Variant of Uncertain Significance. This variant has not been reported in the literature in individuals affected with CA2-related conditions. A copy number gain of the genomic region encompassing the full coding sequence of the CA2 gene has been identified. The boundaries of this event are unknown as they extend beyond the assayed region for this gene and therefore may encompass additional genes. As the precise location of this event is unknown, it may be in tandem or it may be located elsewhere in the genome.